The following is an entry in ClinVar:

ClinVar aggregate classification (germline): Conflicting classifications of pathogenicity. Review status: criteria provided, conflicting classifications (1 of 4 stars). 2 submissions from 2 submitters: Likely pathogenic (1); Uncertain significance (1). Last evaluated 2024-07-16.

Allele frequency attached by ClinVar (database versions not stated): gnomAD exomes below 0.00001; TOPMed 0.00001.
gnomAD v4.1: 4 of 1,613,426 alleles (0.00025%); highest among the groups gnomAD compares: South Asian, 0.0011%; no homozygotes.

Submissions (2):

Women's Health and Genetics/Laboratory Corporation of America, LabCorp
Classification: Uncertain significance. Last evaluated: 2024-07-16. Review status: criteria provided, single submitter. Criteria: LabCorp Variant Classification Summary - May 2015. Collection method: clinical testing. Allele origin: germline.
Comment: Variant summary: POMGNT1 c.1832T>C (p.Leu611Pro) results in a non-conservative amino acid change in the encoded protein sequence. Five of five in-silico tools predict a damaging effect of the variant on protein function. The variant was absent in 250088 control chromosomes. c.1832T>C has been reported in the literature in a homozygous individual affected with Congenital Muscular Dystrophy (Sframeli_2017). These data indicate that the variant may be associated with disease. To our knowledge, no experimental evidence demonstrating an impact on protein function has been reported. The following publication have been ascertained in the context of this evaluation (PMID: 28688748). ClinVar contains an entry for this variant (Variation ID: 987162). Based on the evidence outlined above, the variant was classified as VUS-possibly pathogenic.

Institute of Medical Genetics and Applied Genomics, University Hospital Tübingen
Classification: Likely pathogenic. Last evaluated: 2020-10-23. Review status: criteria provided, single submitter. Criteria: ACMG Guidelines, 2015. Collection method: clinical testing. Allele origin: germline. Inheritance: Autosomal recessive inheritance. Affected: yes.

Literature cited by the submitters: PubMed 28688748 (cited by Women's Health and Genetics/Laboratory Corporation of America, LabCorp).

NM_017739.4(POMGNT1):c.1832T>C (p.Leu611Pro)

Genes: TSPAN1 (tetraspanin 1; plus strand), POMGNT1 (protein O-linked mannose N-acetylglucosaminyltransferase 1 (beta 1,2-); minus strand). Cytogenetic location: 1p34.1.
Variant type: single nucleotide variant.
Coding change: c.1832T>C on transcript NM_017739.4 (MANE Select); coding-DNA position 1832, T replaced by C.
Protein change: p.Leu611Pro; replaces leucine 611 with proline.
Molecular consequence: missense variant.
Genome position (GRCh38, 1-based): chr1:46,189,521, A>G on the plus strand (T>C on the coding strand, the complement: POMGNT1 is on the minus strand). VCF-style: chr1-46189521-A-G. GRCh37 (hg19) VCF-style: chr1-46655193-A-G.
Other names: c.1766T>C, p.Leu589Pro (NM_001290129.3); c.1403T>C, p.Leu468Pro (NM_001290130.2); c.1832T>C, p.Leu611Pro (NM_001410783.1, NM_001243766.2); short protein forms L468P, L589P, L611P.
Identifiers: ClinVar variation 987162 (VCV000987162.3), dbSNP rs1352149832, ClinGen allele CA340170960.